The following is an entry in ClinVar:

NM_001042492.3(NF1):c.7906C>T (p.Gln2636Ter)

Gene: NF1 (neurofibromin 1; plus strand). Cytogenetic location: 17q11.2.
Variant type: single nucleotide variant.
Coding change: c.7906C>T on transcript NM_001042492.3 (MANE Select); coding-DNA position 7906, C replaced by T.
Protein change: p.Gln2636Ter; replaces glutamine 2636 with a stop codon.
Molecular consequence: nonsense.
Genome position (GRCh38, 1-based): chr17:31,357,305, C>T. VCF-style: chr17-31357305-C-T. GRCh37 (hg19) VCF-style: chr17-29684323-C-T.
Other names: c.7843C>T, p.Gln2615Ter (NM_000267.4); short protein forms Q2615*, Q2636*.
Identifiers: ClinVar variation 547698 (VCV000547698.14), dbSNP rs567988442, ClinGen allele CA289710951.
Genomic context (GRCh38, chr17:31,357,305, plus strand): 5'-GTTTACTTTTTTGCATCTTGGCAGGCTACACTGGTAAAATATACCACAGATGAGTTTGAT[C>T]AACGAATTCTTTATGAATACTTAGCAGAGGCCAGTGTTGTGTTTCCCAAAGTCTTTCCTG-3'

ClinVar aggregate classification (germline): Pathogenic. Review status: criteria provided, multiple submitters, no conflicts (2 of 4 stars). 5 submissions from 5 submitters: Pathogenic (5). Last evaluated 2025-03-18.

Conditions:
Hereditary cancer-predisposing syndrome. Also called: Neoplastic Syndromes, Hereditary; Hereditary neoplastic syndrome; Tumor predisposition; Hereditary Cancer Syndrome. Identifiers: Orphanet 140162, MedGen C0027672, MeSH D009386, MONDO:0015356.
Cardiovascular phenotype. Identifiers: MedGen CN230736.
Neurofibromatosis, type 1 (NF1). Also called: NEUROFIBROMATOSIS, TYPE I, SOMATIC; VON RECKLINGHAUSEN DISEASE; Peripheral type neurofibromatosis; Neurofibromatosis, type I. Identifiers: Orphanet 636, MedGen C0027831, MONDO:0018975, OMIM 162200. Disease mechanism: loss of function.

Allele frequency attached by ClinVar (database versions not stated): gnomAD 0.00001.
gnomAD v4.1: 1 of 1,613,986 alleles (0.000062%); highest among the groups gnomAD compares: Middle Eastern, 0.016%; no homozygotes.

Submissions (5):

Labcorp Genetics (formerly Invitae), Labcorp
Classification: Pathogenic for Neurofibromatosis, type 1. Last evaluated: 2025-03-18. Review status: criteria provided, single submitter. Criteria: Invitae Variant Classification Sherloc (09022015). Collection method: clinical testing. Allele origin: germline.
Comment: This sequence change creates a premature translational stop signal (p.Gln2615*) in the NF1 gene. It is expected to result in an absent or disrupted protein product. Loss-of-function variants in NF1 are known to be pathogenic (PMID: 10712197, 23913538). This variant is not present in population databases (gnomAD no frequency). This premature translational stop signal has been observed in individual(s) with neurofibromatosis type 1 (PMID: 17311297). ClinVar contains an entry for this variant (Variation ID: 547698). Algorithms developed to predict the effect of sequence changes on RNA splicing suggest that this variant may disrupt the consensus splice site. For these reasons, this variant has been classified as Pathogenic.

GeneDx
Classification: Pathogenic. Last evaluated: 2024-02-08. Review status: criteria provided, single submitter. Criteria: GeneDx Variant Classification Process June 2021. Collection method: clinical testing. Allele origin: germline. Affected: yes.
Comment: Nonsense variant predicted to result in protein truncation or nonsense mediated decay in a gene for which loss of function is a known mechanism of disease; Not observed at significant frequency in large population cohorts (gnomAD); This variant is associated with the following publications: (PMID: 25525159, 29774626, Pithukpakorn2023[Pre-print], 17311297)

Genome-Nilou Lab
Classification: Pathogenic for Neurofibromatosis, type 1. Last evaluated: 2022-03-15. Review status: criteria provided, single submitter. Criteria: ACMG Guidelines, 2015. Collection method: clinical testing. Allele origin: germline. Affected: no.

Ambry Genetics
Classification: Pathogenic for Cardiovascular phenotype; Hereditary cancer-predisposing syndrome. Last evaluated: 2019-06-06. Review status: criteria provided, single submitter. Criteria: Ambry Variant Classification Scheme 2023. Collection method: clinical testing. Allele origin: germline.
Comment: The p.Q2615* pathogenic mutation (also known as c.7843C>T), located in coding exon 53 of the NF1 gene, results from a C to T substitution at nucleotide position 7843. This changes the amino acid from a glutamine to a stop codon within coding exon 53. This alteration was identified in a cohort of Austrian patients fulfilling the NIH criteria for a clinical diagnosis of neurofibromatosis type 1 (NF-1) (Wimmer K et al. Hum. Mutat. 2007 Jun;28:599-612). In addition to the clinical data presented in the literature, this alteration is expected to result in loss of function by premature protein truncation or nonsense-mediated mRNA decay. As such, this alteration is interpreted as a disease-causing mutation.

Center for Human Genetics, Inc
Classification: Pathogenic for Neurofibromatosis, type 1. Last evaluated: 2016-11-01. Review status: criteria provided, single submitter. Criteria: ACMG Guidelines, 2015. Collection method: clinical testing. Allele origin: germline. Affected: yes.

Literature cited by the submitters: PubMed 10712197 (cited by Labcorp Genetics (formerly Invitae), Labcorp); PubMed 23913538 (cited by Labcorp Genetics (formerly Invitae), Labcorp); PubMed 17311297 (cited by Labcorp Genetics (formerly Invitae), Labcorp).